The following is an entry in ClinVar:

ClinVar aggregate classification (germline): Uncertain significance. Review status: criteria provided, multiple submitters, no conflicts (2 of 4 stars). 2 submissions from 2 submitters: Uncertain significance (2). Last evaluated 2025-10-26.

Conditions:
Inborn genetic diseases. Identifiers: MedGen C0950123, MeSH D030342.

gnomAD v4.1: 4 of 1,567,940 alleles (0.00026%); highest among the groups gnomAD compares: Non-Finnish European, 0.00026%; no homozygotes.

Submissions (2):

Labcorp Genetics (formerly Invitae), Labcorp
Classification: Uncertain significance. Last evaluated: 2025-10-26. Review status: criteria provided, single submitter. Criteria: Invitae Variant Classification Sherloc (09022015). Collection method: clinical testing. Allele origin: germline.
Comment: This sequence change replaces glycine, which is neutral and non-polar, with arginine, which is basic and polar, at codon 1312 of the MAST1 protein (p.Gly1312Arg). This variant is present in population databases (no rsID available, gnomAD 0.003%). This variant has not been reported in the literature in individuals affected with MAST1-related conditions. ClinVar contains an entry for this variant (Variation ID: 1983104). An algorithm developed to predict the effect of missense changes on protein structure and function (PolyPhen-2) suggests that this variant is likely to be disruptive. In summary, the available evidence is currently insufficient to determine the role of this variant in disease. Therefore, it has been classified as a Variant of Uncertain Significance.

Ambry Genetics
Classification: Uncertain significance for Inborn genetic diseases. Last evaluated: 2025-08-14. Review status: criteria provided, single submitter. Criteria: Ambry Variant Classification Scheme 2023. Collection method: clinical testing. Allele origin: germline.

NM_014975.3(MAST1):c.3934G>C (p.Gly1312Arg)

Gene: MAST1 (microtubule associated serine/threonine kinase 1; plus strand). Cytogenetic location: 19p13.13.
Variant type: single nucleotide variant.
Coding change: c.3934G>C on transcript NM_014975.3 (MANE Select); coding-DNA position 3934, G replaced by C.
Protein change: p.Gly1312Arg; replaces glycine 1312 with arginine.
Molecular consequence: missense variant.
Genome position (GRCh38, 1-based): chr19:12,874,091, G>C. VCF-style: chr19-12874091-G-C. GRCh37 (hg19) VCF-style: chr19-12984905-G-C.
Other names: c.3934G>C (NM_014975.2); short protein forms G1312R.
Identifiers: ClinVar variation 1983104 (VCV001983104.5), dbSNP rs1182851556, ClinGen allele CA404289409.